The following is an entry in ClinVar:

NM_001958.5(EEF1A2):c.368T>G (p.Phe123Cys)

Gene: EEF1A2 (eukaryotic translation elongation factor 1 alpha 2; minus strand). Cytogenetic location: 20q13.33.
Variant type: single nucleotide variant.
Coding change: c.368T>G on transcript NM_001958.5 (MANE Select); coding-DNA position 368, T replaced by G.
Protein change: p.Phe123Cys; replaces phenylalanine 123 with cysteine.
Molecular consequence: missense variant.
Genome position (GRCh38, 1-based): chr20:63,495,058, A>C on the plus strand (T>G on the coding strand, the complement: EEF1A2 is on the minus strand). VCF-style: chr20-63495058-A-C. GRCh37 (hg19) VCF-style: chr20-62126411-A-C.
Other names: short protein forms F123C.
Identifiers: ClinVar variation 2572745 (VCV002572745.1), dbSNP rs2516783504, ClinGen allele CA409650370.
Genomic context (GRCh38, chr20:63,495,058, plus strand): 5'-AGCGTGTAGGCCAGCAGGGCATGCTCCCGCGTCTGCCCATTCTTGGAGATGCCCGCCTCG[A>C]ACTCGCCCACGCCCGCCGCCACGATCAGCACTGCGCAGTCCGCCTGCCCGGCAGGGGACA-3'
Protein context (NP_001949.1, residues 113-133): VLIVAAGVGE[Phe123Cys]EAGISKNGQT

ClinVar aggregate classification (germline): Likely pathogenic (1 of 4 stars; one submission).

Submission:

GeneDx
Classification: Likely pathogenic. Last evaluated: 2023-07-04. Review status: criteria provided, single submitter. Criteria: GeneDx Variant Classification Process June 2021. Collection method: clinical testing. Allele origin: germline. Affected: yes.
Comment: Not observed at significant frequency in large population cohorts (gnomAD); In silico analysis supports that this missense variant has a deleterious effect on protein structure/function; Has not been previously published as pathogenic or benign to our knowledge